The following is an entry in ClinVar:

ClinVar aggregate classification (germline): Benign/Likely benign. Review status: criteria provided, multiple submitters, no conflicts (2 of 4 stars). 6 submissions from 6 submitters: Benign (1); Likely benign (4). 1 of the submissions does not count toward it. Last evaluated 2026-08-01.

Conditions:
BTD-related disorder. Also called: BTD-related condition.
Biotinidase deficiency. Also called: BTD deficiency; Late-onset biotin-responsive multiple carboxylase deficiency; Biotin deficiency. Identifiers: Orphanet 79241, MedGen C0220754, MONDO:0009665, OMIM 253260.

Allele frequency attached by ClinVar (database versions not stated): gnomAD exomes 0.00021 and 0.00050; ExAC 0.00055; 1000 Genomes Project 30x 0.00094; 1000 Genomes Project 0.00100; gnomAD 0.00209 and 0.00228; ESP Exome Variant Server 0.00231; TOPMed 0.00262.
gnomAD v4.1: 642 of 1,614,068 alleles (0.04%); highest among the groups gnomAD compares: African/African-American, 0.66%; 2 homozygotes.

Submissions (6):

CeGaT Center for Human Genetics Tuebingen
Classification: Likely benign. Last evaluated: 2026-08-01. Review status: criteria provided, single submitter. Criteria: CeGaT Center For Human Genetics Tuebingen Variant Classification Criteria Version 2. Collection method: clinical testing. Allele origin: germline. Affected: yes. Observed: 1 variant allele.
Comment: BTD: BP4, BP7

Labcorp Genetics (formerly Invitae), Labcorp
Classification: Benign for Biotinidase deficiency. Last evaluated: 2026-01-25. Review status: criteria provided, single submitter. Criteria: Invitae Variant Classification Sherloc (09022015). Collection method: clinical testing. Allele origin: germline.

Blueprint Genetics
Classification: Likely benign. Last evaluated: 2024-11-13. Review status: criteria provided, single submitter. Criteria: ACMG Guidelines, 2015. Collection method: clinical testing. Allele origin: germline.

Eurofins Ntd Llc (ga)
Classification: Likely benign. Last evaluated: 2016-03-01. Review status: criteria provided, single submitter. Criteria: EGL Classification Definitions 2015. Collection method: clinical testing. Allele origin: germline. Observed: 1 variant allele, 1 heterozygote.

Breakthrough Genomics
Classification: Likely benign. Review status: criteria provided, single submitter. Criteria: ACMG Guidelines, 2015. Collection method: not provided. Allele origin: germline. Inheritance: Autosomal recessive inheritance. Affected: yes.

PreventionGenetics, part of Exact Sciences
Classification: Likely benign for BTD-related condition. Last evaluated: 2024-09-06. Review status: no assertion criteria provided. Collection method: clinical testing. Allele origin: germline. Not counted in ClinVar's aggregate classification.
Comment: This variant is classified as likely benign based on ACMG/AMP sequence variant interpretation guidelines (Richards et al. 2015 PMID: 25741868, with internal and published modifications).

NM_001370658.1(BTD):c.1002G>A (p.Thr334=)

Gene: BTD (biotinidase; plus strand). Cytogenetic location: 3p25.1.
Variant type: single nucleotide variant.
Coding change: c.1002G>A on transcript NM_001370658.1 (MANE Select); coding-DNA position 1002, G replaced by A.
Protein change: p.Thr334=; no amino-acid change (threonine 334 retained).
Molecular consequence: synonymous variant. On other transcripts: intron variant (6).
Genome position (GRCh38, 1-based): chr3:15,644,918, G>A. VCF-style: chr3-15644918-G-A. GRCh37 (hg19) VCF-style: chr3-15686425-G-A.
Other names: c.1062G>A (NM_000060.4); c.1002G>A, p.Thr334= (NM_001281723.4, NM_001281724.3, NM_001281725.3 and 18 more transcripts); c.399+2861G>A (NM_001370753.1, NM_001407400.1, NM_001407380.1 and 3 more transcripts).
Identifiers: ClinVar variation 286364 (VCV000286364.20), dbSNP rs148764524, ClinGen allele CA2277415.